The following is an entry in ClinVar:

NM_003630.3(PEX3):c.1039G>T (p.Asp347Tyr)

Gene: PEX3 (peroxisomal biogenesis factor 3; plus strand). Cytogenetic location: 6q24.2.
Variant type: single nucleotide variant.
Coding change: c.1039G>T on transcript NM_003630.3 (MANE Select); coding-DNA position 1039, G replaced by T.
Protein change: p.Asp347Tyr; replaces aspartic acid 347 with tyrosine.
Molecular consequence: missense variant.
Genome position (GRCh38, 1-based): chr6:143,489,143, G>T. VCF-style: chr6-143489143-G-T. GRCh37 (hg19) VCF-style: chr6-143810280-G-T.
Other names: short protein forms D347Y.
Identifiers: ClinVar variation 4525983 (VCV004525983.1).

ClinVar aggregate classification (germline): Likely pathogenic (1 of 4 stars; one submission).

Conditions:
Peroxisome biogenesis disorder. Identifiers: Orphanet 79189, MedGen C1832200, MONDO:0019234. Disease mechanism: loss of function.

Submission:

Women's Health and Genetics/Laboratory Corporation of America, LabCorp
Classification: Likely pathogenic for Peroxisome biogenesis disorder. Last evaluated: 2025-07-10. Review status: criteria provided, single submitter. Criteria: LabCorp Variant Classification Summary - May 2015. Collection method: clinical testing. Allele origin: germline.
Comment: Variant summary: PEX3 c.1039G>T (p.Asp347Tyr) results in a non-conservative amino acid change in the encoded protein sequence. Algorithms developed to predict the effect of missense changes on protein structure and function are either unavailable or do not agree on the potential impact of this missense change. Several computational tools predict a significant impact on normal splicing: Two predict the variant abolishes a canonical 3' acceptor site and one predicts the variant weakens this site. At least one publication reports experimental evidence that this variant affects mRNA splicing (Matsui_2013). The variant was absent in 250958 control chromosomes (gnomAD). c.1039G>T has been observed in a homozygous individual affected with infantile Refsum disease (Matsui_2013). These data indicate that the variant may be associated with disease. The following publication has been ascertained in the context of this evaluation (PMID: 23245813). No submitters have cited clinical-significance assessments for this variant to ClinVar. Based on the evidence outlined above, the variant was classified as likely pathogenic.

Literature cited by the submitters: PubMed 23245813.